The following is an entry in ClinVar:

ClinVar aggregate classification (germline): Likely benign. Review status: reviewed by expert panel (3 of 4 stars). 2 submissions from 2 submitters: Likely benign (1). 1 of the submissions does not count toward it. Last evaluated 2017-06-29.

Conditions:
Hereditary breast ovarian cancer syndrome. Also called: Breast and ovarian cancer; Hereditary breast and ovarian cancer; Hereditary breast and ovarian cancer syndrome; Hereditary breast and/or ovarian cancer syndrome; BRCA1- and BRCA2-Associated Hereditary Breast and Ovarian Cancer; Hereditary breast and ovarian cancer syndrome (HBOC). Identifiers: Orphanet 145, MedGen C0677776, MeSH D061325, MONDO:0003582. Disease mechanism: loss of function.
Breast-ovarian cancer, familial, susceptibility to, 1 (BROVCA1). Also called: BRCA1 Hereditary Breast and Ovarian Cancer; OVARIAN CANCER, SUSCEPTIBILITY TO. Identifiers: Orphanet 145, MedGen C2676676, MONDO:0011450, OMIM 604370. Disease mechanism: loss of function.

Submissions (2):

Evidence-based Network for the Interpretation of Germline Mutant Alleles (ENIGMA)
Classification: Likely benign for Breast-ovarian cancer, familial, susceptibility to, 1. Last evaluated: 2017-06-29. Review status: reviewed by expert panel. Criteria: ENIGMA BRCA1/2 Classification Criteria (2017-06-29). Collection method: curation. Allele origin: germline.
Comment: Synonymous substitution variant, with low bioinformatic likelihood to result in a splicing aberration (Splicing prior probability 0.02).

Labcorp Genetics (formerly Invitae), Labcorp
Classification: Likely benign for Hereditary breast ovarian cancer syndrome. Last evaluated: 2020-05-15. Review status: criteria provided, single submitter. Criteria: Invitae Variant Classification Sherloc (09022015). Collection method: clinical testing. Allele origin: germline. Not counted in ClinVar's aggregate classification.

NM_007294.4(BRCA1):c.4182T>C (p.Thr1394=)

Gene: BRCA1 (BRCA1 DNA repair associated; minus strand). Cytogenetic location: 17q21.31.
Variant type: single nucleotide variant.
Coding change: c.4182T>C on transcript NM_007294.4 (MANE Select); coding-DNA position 4182, T replaced by C.
Protein change: p.Thr1394=; no amino-acid change (threonine 1394 retained).
Molecular consequence: synonymous variant.
Genome position (GRCh38, 1-based): chr17:43,090,947, A>G on the plus strand (T>C on the coding strand, the complement: BRCA1 is on the minus strand). VCF-style: chr17-43090947-A-G. GRCh37 (hg19) VCF-style: chr17-41242964-A-G.
Other names: c.3849T>C, p.Thr1283= (NM_001407950.1, NM_001407951.1, NM_001407952.1 and 6 more transcripts); c.3846T>C, p.Thr1282= (NM_001407954.1, NM_001407955.1, NM_001407956.1 and 1 more transcripts); c.3801T>C, p.Thr1267= (NM_001407959.1, NM_001407960.1, NM_001407963.1); c.3798T>C, p.Thr1266= (NM_001407962.1); c.4038T>C, p.Thr1346= (NM_001407964.1, NM_001407740.1, NM_001407741.1 and 20 more transcripts); c.3678T>C, p.Thr1226= (NM_001407965.1); c.3294T>C, p.Thr1098= (NM_001407966.1, NM_001407967.1); c.1578T>C, p.Thr526= (NM_001407968.1, NM_001407969.1); and 41 more.
Identifiers: ClinVar variation 220472 (VCV000220472.15), dbSNP rs864622540, ClinGen allele CA349537.